The following is an entry in ClinVar:

ClinVar aggregate classification (germline): Uncertain significance (1 of 4 stars; one submission).

Allele frequency attached by ClinVar (database versions not stated): gnomAD exomes below 0.00001 and 0.00001; gnomAD 0.00001; ExAC 0.00002; TOPMed 0.00002; ESP Exome Variant Server 0.00008; 1000 Genomes Project 30x 0.00016; 1000 Genomes Project 0.00020.
gnomAD v4.1: 6 of 1,613,586 alleles (0.00037%); highest among the groups gnomAD compares: African/African-American, 0.008%; no homozygotes.

Submission:

Labcorp Genetics (formerly Invitae), Labcorp
Classification: Uncertain significance. Last evaluated: 2020-08-20. Review status: criteria provided, single submitter. Criteria: Invitae Variant Classification Sherloc (09022015). Collection method: clinical testing. Allele origin: germline.
Comment: This sequence change replaces threonine with isoleucine at codon 3006 of the HSPG2 protein (p.Thr3006Ile). The threonine residue is weakly conserved and there is a moderate physicochemical difference between threonine and isoleucine. This variant is present in population databases (rs376414322, ExAC 0.03%). This variant has not been reported in the literature in individuals with HSPG2-related conditions. Algorithms developed to predict the effect of missense changes on protein structure and function (SIFT, PolyPhen-2, Align-GVGD) all suggest that this variant is likely to be tolerated, but these predictions have not been confirmed by published functional studies and their clinical significance is uncertain. In summary, the available evidence is currently insufficient to determine the role of this variant in disease. Therefore, it has been classified as a Variant of Uncertain Significance.

NM_005529.7(HSPG2):c.9017C>T (p.Thr3006Ile)

Gene: HSPG2 (heparan sulfate proteoglycan 2; minus strand). Cytogenetic location: 1p36.12.
Variant type: single nucleotide variant.
Coding change: c.9017C>T on transcript NM_005529.7 (MANE Select); coding-DNA position 9017, C replaced by T.
Protein change: p.Thr3006Ile; replaces threonine 3006 with isoleucine.
Molecular consequence: missense variant.
Genome position (GRCh38, 1-based): chr1:21,842,274, G>A on the plus strand (C>T on the coding strand, the complement: HSPG2 is on the minus strand). VCF-style: chr1-21842274-G-A. GRCh37 (hg19) VCF-style: chr1-22168767-G-A.
Other names: c.9020C>T, p.Thr3007Ile (NM_001291860.2); short protein forms T3006I, T3007I.
Identifiers: ClinVar variation 1041483 (VCV001041483.9), dbSNP rs376414322, ClinGen allele CA670591.